The following is an entry in ClinVar:

NM_014915.3(ANKRD26):c.1028TTC[1] (p.Leu344del)

Gene: ANKRD26 (ankyrin repeat domain 26; minus strand). Cytogenetic location: 10p12.1.
Variant type: Microsatellite.
Coding change: c.1028TTC[1] on transcript NM_014915.3 (MANE Select); one copy of the 3-base unit TTC starting at c.1028; the reference has two copies in a row; one copy, 3 bases deleted.
Protein change: p.Leu344del; deletes leucine 344.
Molecular consequence: inframe deletion. On other transcripts: inframe indel (2).
Genome position (GRCh38, 1-based): chr10:27,077,382-27,077,384, GAA deleted on the plus strand (TTC on the coding strand, the reverse complement: ANKRD26 is on the minus strand); deleting any 3 consecutive bases within chr10:27,077,382-27,077,388 gives the same sequence; the position shown is the placement nearest the transcript's 3' end. VCF-style (leftmost placement, unchanged base first): chr10-27077381-GGAA-G. GRCh37 (hg19) VCF-style: chr10-27366310-GGAA-G.
Other names: c.1031_1033delTTC (NM_014915.2); c.1028TTC[1], p.Leu344del (NM_001256053.2); c.1027_1029CTT[1], p.Leu344del (NM_014915.2); short protein forms L344del.
Identifiers: ClinVar variation 2635765 (VCV002635765.3), dbSNP rs1564418356, ClinGen allele CA592383737.
Genomic context (GRCh38, chr10:27,077,381, plus strand): 5'-TTTAAAAAACAACTTACCTTCATAAGACCAGGGTTTGCTAACGACTTGTGGGAAGGTTTT[GGAA>G]GAAGGTCAGGTGATTGATAGGTAGGATGAGAAAAGCACTGGACTTTGATTGATGTTGTAG-3'

ClinVar aggregate classification (germline): Uncertain significance. Review status: criteria provided, multiple submitters, no conflicts (2 of 4 stars). 2 submissions from 2 submitters: Uncertain significance (2). Last evaluated 2024-06-25.

Conditions:
ANKRD26-related disorder. Also called: ANKRD26-related condition.

Submissions (2):

Labcorp Genetics (formerly Invitae), Labcorp
Classification: Uncertain significance. Last evaluated: 2024-06-25. Review status: criteria provided, single submitter. Criteria: Invitae Variant Classification Sherloc (09022015). Collection method: clinical testing. Allele origin: germline.
Comment: This variant, c.1031_1033del, results in the deletion of 1 amino acid(s) of the ANKRD26 protein (p.Leu344del), but otherwise preserves the integrity of the reading frame. This variant is present in population databases (no rsID available, gnomAD 0.0009%). This variant has not been reported in the literature in individuals affected with ANKRD26-related conditions. ClinVar contains an entry for this variant (Variation ID: 2635765). Experimental studies and prediction algorithms are not available or were not evaluated, and the functional significance of this variant is currently unknown. In summary, the available evidence is currently insufficient to determine the role of this variant in disease. Therefore, it has been classified as a Variant of Uncertain Significance.

PreventionGenetics, part of Exact Sciences
Classification: Uncertain significance for ANKRD26-related condition. Last evaluated: 2023-10-11. Review status: criteria provided, single submitter. Criteria: ACMG Guidelines, 2015. Collection method: clinical testing. Allele origin: germline.
Comment: The ANKRD26 c.1031_1033delTTC variant is predicted to result in an in-frame deletion (p.Leu344del). To our knowledge, this variant has not been reported in the literature. This variant is reported in 0.00088% of alleles in individuals of European (Non-Finnish) descent in gnomAD. At this time, the clinical significance of this variant is uncertain due to the absence of conclusive functional and genetic evidence.